The following is an entry in ClinVar:

ClinVar aggregate classification (germline): Uncertain significance (1 of 4 stars; one submission).

Submission:

Dasa
Classification: Uncertain significance. Last evaluated: 2025-10-31. Review status: criteria provided, single submitter. Criteria: DASA Assertion Criteria. Collection method: clinical testing. Allele origin: germline.
Comment: NM_000146.4(FTL):c.312dup (p.Lys105Glufs*24) is a frameshift variant in FTL predicted to alter the reading frame and introduce a premature termination codon. This variant is absent from population databases. The currently available literature and clinical evidence are not sufficient to establish a definitive association between this variant and the reported condition. Therefore, this variant is classified as a variant of uncertain significance.

NM_000146.4(FTL):c.312dup (p.Lys105fs)

Gene: FTL (ferritin light chain; plus strand). Cytogenetic location: 19q13.33.
Variant type: Duplication.
Coding change: c.312dup on transcript NM_000146.4 (MANE Select); coding-DNA position 312, one base duplicated (G; older notation c.312dupG).
Protein change: p.Lys105fs; shifts the reading frame from lysine 105.
Molecular consequence: frameshift variant.
Genome position (GRCh38, 1-based): chr19:48,966,343, G duplicated. VCF-style (leftmost placement, unchanged base first): chr19-48966342-A-AG. GRCh37 (hg19) VCF-style: chr19-49469599-A-AG.
Other names: short protein forms K105fs.
Identifiers: ClinVar variation 4883942 (VCV004883942.2).